The following is an entry in ClinVar:

NM_000395.3(CSF2RB):c.1943_1944inv (p.Pro648Leu)

Gene: CSF2RB (colony stimulating factor 2 receptor subunit beta; plus strand). Cytogenetic location: 22q12.3.
Variant type: Inversion.
Coding change: c.1943_1944inv on transcript NM_000395.3 (MANE Select).
Protein change: p.Pro648Leu; replaces proline 648 with leucine.
Molecular consequence: missense variant.
Genome position: GRCh38 VCF-style: chr22-36937751-CA-TG. GRCh37 (hg19) VCF-style: chr22-37333793-CA-TG.
Other names: short protein forms P648L.
Identifiers: ClinVar variation 1002560 (VCV001002560.7), ClinGen allele CA2499226179.

ClinVar aggregate classification (germline): Uncertain significance. Review status: criteria provided, multiple submitters, no conflicts (2 of 4 stars). 2 submissions from 2 submitters: Uncertain significance (2). Last evaluated 2025-12-22.

Conditions:
Surfactant metabolism dysfunction, pulmonary, 5 (SMDP5). Also called: PULMONARY ALVEOLAR PROTEINOSIS 5; PAP DUE TO CSF2RB DEFICIENCY; CSF2RB DEFICIENCY. Identifiers: Orphanet 264675, MedGen C3280574, MONDO:0013712, OMIM 614370.

Submissions (2):

Labcorp Genetics (formerly Invitae), Labcorp
Classification: Uncertain significance. Last evaluated: 2025-12-22. Review status: criteria provided, single submitter. Criteria: Invitae Variant Classification Sherloc (09022015). Collection method: clinical testing. Allele origin: germline.
Comment: This sequence change replaces proline, which is neutral and non-polar, with leucine, which is neutral and non-polar, at codon 648 of the CSF2RB protein (p.Pro648Leu). This variant is present in population databases (no rsID available, gnomAD 0.03%). This variant has not been reported in the literature in individuals affected with CSF2RB-related conditions. ClinVar contains an entry for this variant (Variation ID: 1002560). An algorithm developed to predict the effect of missense changes on protein structure and function (PolyPhen-2) suggests that this variant is likely to be tolerated. In summary, the available evidence is currently insufficient to determine the role of this variant in disease. Therefore, it has been classified as a Variant of Uncertain Significance.

Baylor Genetics
Classification: Uncertain significance for Surfactant metabolism dysfunction, pulmonary, 5. Last evaluated: 2020-03-05. Review status: criteria provided, single submitter. Criteria: ACMG Guidelines, 2015. Collection method: clinical testing. Allele origin: unknown. Affected: yes.
Comment: This variant was determined to be of uncertain significance according to ACMG Guidelines, 2015 [PMID:25741868].